The following is an entry in ClinVar:

NM_017780.4(CHD7):c.239T>G (p.Met80Arg)

Gene: CHD7 (chromodomain helicase DNA binding protein 7; plus strand). Cytogenetic location: 8q12.2.
Variant type: single nucleotide variant.
Coding change: c.239T>G on transcript NM_017780.4 (MANE Select); coding-DNA position 239, T replaced by G.
Protein change: p.Met80Arg; replaces methionine 80 with arginine.
Molecular consequence: missense variant.
Genome position (GRCh38, 1-based): chr8:60,741,671, T>G. VCF-style: chr8-60741671-T-G. GRCh37 (hg19) VCF-style: chr8-61654230-T-G.
Other names: c.239T>G, p.Met80Arg (NM_001316690.1); short protein forms M80R.
Identifiers: ClinVar variation 2134531 (VCV002134531.4), dbSNP rs2487260304, ClinGen allele CA371296683.

ClinVar aggregate classification (germline): Uncertain significance (1 of 4 stars; one submission).

Conditions:
CHARGE syndrome (CHARGE). Also called: Hittner Hirsch Kreh syndrome; CHARGE ASSOCIATION--COLOBOMA, HEART ANOMALY, CHOANAL ATRESIA, RETARDATION, GENITAL AND EAR ANOMALIES; Coloboma, heart anomaly, choanal atresia, retardation, genital and ear anomalies; CHARGE association; Hall-Hittner syndrome. Identifiers: Orphanet 138, MedGen C0265354, MONDO:0008965.

Submission:

Labcorp Genetics (formerly Invitae), Labcorp
Classification: Uncertain significance for CHARGE syndrome. Last evaluated: 2023-06-27. Review status: criteria provided, single submitter. Criteria: Invitae Variant Classification Sherloc (09022015). Collection method: clinical testing. Allele origin: germline.
Comment: In summary, the available evidence is currently insufficient to determine the role of this variant in disease. Therefore, it has been classified as a Variant of Uncertain Significance. Advanced modeling of protein sequence and biophysical properties (such as structural, functional, and spatial information, amino acid conservation, physicochemical variation, residue mobility, and thermodynamic stability) performed at Invitae indicates that this missense variant is not expected to disrupt CHD7 protein function. This sequence change replaces methionine, which is neutral and non-polar, with arginine, which is basic and polar, at codon 80 of the CHD7 protein (p.Met80Arg). This variant is not present in population databases (gnomAD no frequency). This variant has not been reported in the literature in individuals affected with CHD7-related conditions. ClinVar contains an entry for this variant (Variation ID: 2134531).